The following is an entry in ClinVar:

ClinVar aggregate classification (germline): Uncertain significance. Review status: criteria provided, multiple submitters, no conflicts (2 of 4 stars). 2 submissions from 2 submitters: Uncertain significance (2). Last evaluated 2023-12-05.

Conditions:
Inborn genetic diseases. Identifiers: MedGen C0950123, MeSH D030342.

Allele frequency attached by ClinVar (database versions not stated): gnomAD 0.00001; gnomAD exomes 0.00001; TOPMed 0.00001.

Submissions (2):

Ambry Genetics
Classification: Uncertain significance for Inborn genetic diseases. Last evaluated: 2023-12-05. Review status: criteria provided, single submitter. Criteria: Ambry Variant Classification Scheme 2023. Collection method: clinical testing. Allele origin: germline.

Labcorp Genetics (formerly Invitae), Labcorp
Classification: Uncertain significance. Last evaluated: 2023-06-06. Review status: criteria provided, single submitter. Criteria: Invitae Variant Classification Sherloc (09022015). Collection method: clinical testing. Allele origin: germline.
Comment: This sequence change replaces asparagine, which is neutral and polar, with serine, which is neutral and polar, at codon 442 of the FN1 protein (p.Asn442Ser). In summary, the available evidence is currently insufficient to determine the role of this variant in disease. Therefore, it has been classified as a Variant of Uncertain Significance. Advanced modeling of protein sequence and biophysical properties (such as structural, functional, and spatial information, amino acid conservation, physicochemical variation, residue mobility, and thermodynamic stability) performed at Invitae indicates that this missense variant is not expected to disrupt FN1 protein function. This variant has not been reported in the literature in individuals affected with FN1-related conditions. This variant is present in population databases (no rsID available, gnomAD 0.007%).

NM_212482.4(FN1):c.1325A>G (p.Asn442Ser)

Genes: FN1 (fibronectin 1; minus strand), LOC126806498 (CDK7 strongly-dependent group 2 enhancer GRCh37_chr2:216288045-216289244; plus strand). Cytogenetic location: 2q35.
Variant type: single nucleotide variant.
Coding change: c.1325A>G on transcript NM_212482.4 (MANE Select); coding-DNA position 1325, A replaced by G.
Protein change: p.Asn442Ser; replaces asparagine 442 with serine.
Molecular consequence: missense variant.
Genome position (GRCh38, 1-based): chr2:215,423,418, T>C on the plus strand (A>G on the coding strand, the complement: FN1 is on the minus strand). VCF-style: chr2-215423418-T-C. GRCh37 (hg19) VCF-style: chr2-216288141-T-C.
Other names: c.1325A>G, p.Asn442Ser (NM_001306129.2, NM_001306130.2, NM_001306131.2 and 14 more transcripts); c.1325A>G (NM_212482.1); short protein forms N442S.
Identifiers: ClinVar variation 3020974 (VCV003020974.4), dbSNP rs1468625981, ClinGen allele CA350470286.